The following is an entry in ClinVar:

NM_000465.4(BARD1):c.485C>A (p.Ser162Ter)

Gene: BARD1 (BRCA1 associated RING domain 1; minus strand). Cytogenetic location: 2q35.
Variant type: single nucleotide variant.
Coding change: c.485C>A on transcript NM_000465.4 (MANE Select); coding-DNA position 485, C replaced by A.
Protein change: p.Ser162Ter; replaces serine 162 with a stop codon.
Molecular consequence: nonsense. On other transcripts: non-coding transcript variant (2), intron variant (3).
Genome position (GRCh38, 1-based): chr2:214,781,389, G>T on the plus strand (C>A on the coding strand, the complement: BARD1 is on the minus strand). VCF-style: chr2-214781389-G-T. GRCh37 (hg19) VCF-style: chr2-215646113-G-T.
Other names: c.428C>A, p.Ser143Ter (NM_001282543.2); c.158+28023C>A (NM_001282548.2); c.215+15672C>A (NM_001282545.2); c.364+10908C>A (NM_001282549.2); short protein forms S143*, S162*.
Identifiers: ClinVar variation 1743618 (VCV001743618.2), dbSNP rs755693106, ClinGen allele CA350457545.

ClinVar aggregate classification (germline): Pathogenic (1 of 4 stars; one submission).

Conditions:
Hereditary cancer-predisposing syndrome. Also called: Hereditary Cancer Syndrome; Neoplastic Syndromes, Hereditary; Tumor predisposition; Hereditary neoplastic syndrome. Identifiers: Orphanet 140162, MedGen C0027672, MeSH D009386, MONDO:0015356.

Submission:

Ambry Genetics
Classification: Pathogenic for Hereditary cancer-predisposing syndrome. Last evaluated: 2020-01-06. Review status: criteria provided, single submitter. Criteria: Ambry Variant Classification Scheme 2023. Collection method: clinical testing. Allele origin: germline.
Comment: The p.S162* pathogenic mutation (also known as c.485C>A), located in coding exon 4 of the BARD1 gene, results from a C to A substitution at nucleotide position 485. This changes the amino acid from a serine to a stop codon within coding exon 4. This alteration is expected to result in loss of function by premature protein truncation or nonsense-mediated mRNA decay. As such, this alteration is interpreted as a disease-causing mutation.